The following is an entry in ClinVar:

ClinVar aggregate classification (germline): Conflicting classifications of pathogenicity. Review status: criteria provided, conflicting classifications (1 of 4 stars). 3 submissions from 3 submitters: Likely pathogenic (1); Uncertain significance (1). 1 of the submissions does not count toward it. Last evaluated 2024-05-15.

Conditions:
BBS12-related disorder. Also called: BBS12-related condition.
Bardet-Biedl syndrome (BBS). Identifiers: Orphanet 110, MedGen C0752166, MONDO:0015229.

Allele frequency attached by ClinVar (database versions not stated): gnomAD exomes below 0.00001 and 0.00001; gnomAD 0.00001; TOPMed 0.00001.
gnomAD v4.1: 14 of 1,614,060 alleles (0.00087%); highest among the groups gnomAD compares: Admixed American, 0.005%; no homozygotes.

Submissions (3):

Blueprint Genetics
Classification: Likely pathogenic for BBS12-related disorders. Last evaluated: 2024-05-15. Review status: criteria provided, single submitter. Criteria: ACMG Guidelines, 2015. Collection method: clinical testing. Allele origin: germline. Affected: yes. Observed: 5 variant alleles.

Labcorp Genetics (formerly Invitae), Labcorp
Classification: Uncertain significance for Bardet-Biedl syndrome. Last evaluated: 2022-10-17. Review status: criteria provided, single submitter. Criteria: Invitae Variant Classification Sherloc (09022015). Collection method: clinical testing. Allele origin: germline.
Comment: This sequence change replaces arginine, which is basic and polar, with glutamine, which is neutral and polar, at codon 355 of the BBS12 protein (p.Arg355Gln). This variant is present in population databases (no rsID available, gnomAD 0.003%). This missense change has been observed in individual(s) with Bardet-Biedl syndrome (PMID: 20472660). ClinVar contains an entry for this variant (Variation ID: 1359629). Algorithms developed to predict the effect of missense changes on protein structure and function (SIFT, PolyPhen-2, Align-GVGD) all suggest that this variant is likely to be tolerated. In summary, the available evidence is currently insufficient to determine the role of this variant in disease. Therefore, it has been classified as a Variant of Uncertain Significance.

PreventionGenetics, part of Exact Sciences
Classification: Uncertain significance for BBS12-related condition. Last evaluated: 2023-12-27. Review status: no assertion criteria provided. Collection method: clinical testing. Allele origin: germline. Not counted in ClinVar's aggregate classification.
Comment: The BBS12 c.1064G>A variant is predicted to result in the amino acid substitution p.Arg355Gln. This variant was reported in the homozygous state in a patient with Bardet-Biedl syndrome, but was also found in the homozygous state in a control individual with vision loss in one eye but no signs of obesity or digit abnormalities (Billingsley et al 2010. PubMed ID: 20472660). This variant is reported in 0.00088% of alleles in individuals of European (Non-Finnish) descent in gnomAD. At this time, the clinical significance of this variant is uncertain due to the absence of conclusive functional and genetic evidence.

Literature cited by the submitters: PubMed 20472660 (cited by Labcorp Genetics (formerly Invitae), Labcorp).

NM_152618.3(BBS12):c.1064G>A (p.Arg355Gln)

Gene: BBS12 (Bardet-Biedl syndrome 12; plus strand). Cytogenetic location: 4q27.
Variant type: single nucleotide variant.
Coding change: c.1064G>A on transcript NM_152618.3 (MANE Select); coding-DNA position 1064, G replaced by A.
Protein change: p.Arg355Gln; replaces arginine 355 with glutamine.
Molecular consequence: missense variant.
Genome position (GRCh38, 1-based): chr4:122,742,956, G>A. VCF-style: chr4-122742956-G-A. GRCh37 (hg19) VCF-style: chr4-123664111-G-A.
Other names: c.1064G>A (NM_152618.2); c.1064G>A, p.Arg355Gln (NM_001178007.2); short protein forms R355Q.
Identifiers: ClinVar variation 1359629 (VCV001359629.6), dbSNP rs1474900361, ClinGen allele CA358224316.